The following is an entry in ClinVar:

NM_014363.6(SACS):c.8958C>T (p.His2986=)

Gene: SACS (sacsin molecular chaperone; minus strand). Cytogenetic location: 13q12.12.
Variant type: single nucleotide variant.
Coding change: c.8958C>T on transcript NM_014363.6 (MANE Select); coding-DNA position 8958, C replaced by T.
Protein change: p.His2986=; no amino-acid change (histidine 2986 retained).
Molecular consequence: synonymous variant.
Genome position (GRCh38, 1-based): chr13:23,334,918, G>A on the plus strand (C>T on the coding strand, the complement: SACS is on the minus strand). VCF-style: chr13-23334918-G-A. GRCh37 (hg19) VCF-style: chr13-23909057-G-A.
Other names: c.8517C>T, p.His2839= (NM_001278055.2).
Identifiers: ClinVar variation 790976 (VCV000790976.40), dbSNP rs758029668, ClinGen allele CA6910688.

ClinVar aggregate classification (germline): Conflicting classifications of pathogenicity. Review status: criteria provided, conflicting classifications (1 of 4 stars). 5 submissions from 5 submitters: Uncertain significance (1); Likely benign (4). Last evaluated 2025-08-18.

Conditions:
Spastic paraplegia. Identifiers: MedGen C0037772, HP:0001258.
Charlevoix-Saguenay spastic ataxia (SACS). Also called: SPASTIC ATAXIA 6, AUTOSOMAL RECESSIVE; Spastic ataxia of Charlevoix-Saguenay; AUTOSOMAL RECESSIVE SPASTIC ATAXIA OF CHARLEVOIX-SAGUENAY. Identifiers: Orphanet 98, MedGen C1849140, MONDO:0010041, OMIM 270550.

Allele frequency attached by ClinVar (database versions not stated): gnomAD 0.00002 and 0.00005; TOPMed 0.00005; gnomAD exomes 0.00009; ExAC 0.00010.
gnomAD v4.1: 103 of 1,613,644 alleles (0.0064%); highest among the groups gnomAD compares: South Asian, 0.055%; no homozygotes.

Submissions (5):

Labcorp Genetics (formerly Invitae), Labcorp
Classification: Likely benign for Spastic paraplegia. Last evaluated: 2025-08-18. Review status: criteria provided, single submitter. Criteria: Invitae Variant Classification Sherloc (09022015). Collection method: clinical testing. Allele origin: germline.

CeGaT Center for Human Genetics Tuebingen
Classification: Likely benign. Last evaluated: 2025-07-01. Review status: criteria provided, single submitter. Criteria: CeGaT Center For Human Genetics Tuebingen Variant Classification Criteria Version 2. Collection method: clinical testing. Allele origin: germline. Affected: yes. Observed: 3 variant alleles.
Comment: SACS: BP4, BP7

Blueprint Genetics
Classification: Likely benign. Last evaluated: 2023-12-21. Review status: criteria provided, single submitter. Criteria: ACMG Guidelines, 2015. Collection method: clinical testing. Allele origin: germline.

Genome-Nilou Lab
Classification: Likely benign for Charlevoix-Saguenay spastic ataxia. Last evaluated: 2021-09-05. Review status: criteria provided, single submitter. Criteria: ACMG Guidelines, 2015. Collection method: clinical testing. Allele origin: germline. Affected: no.

Illumina Laboratory Services, Illumina
Classification: Uncertain significance for Charlevoix-Saguenay spastic ataxia. Last evaluated: 2018-01-12. Review status: criteria provided, single submitter. Criteria: ICSL Variant Classification Criteria 13 December 2019. Collection method: clinical testing. Allele origin: germline.